The following is an entry in ClinVar:

NM_000255.4(MMUT):c.1596_1606del (p.Cys533fs)

Gene: MMUT (methylmalonyl-CoA mutase; minus strand). Cytogenetic location: 6p12.3.
Variant type: Deletion.
Coding change: c.1596_1606del on transcript NM_000255.4 (MANE Select); coding-DNA positions 1596 to 1606, 11 bases deleted (TTGTCTTGCTG).
Protein change: p.Cys533fs; shifts the reading frame from cysteine 533.
Molecular consequence: frameshift variant.
Genome position (GRCh38, 1-based): chr6:49,444,709-49,444,719, CAGCAAGACAA deleted on the plus strand (TTGTCTTGCTG on the coding strand, the reverse complement: MMUT is on the minus strand); deleting any 11 consecutive bases within chr6:49,444,709-49,444,720 gives the same sequence; the c. name uses the placement nearest the transcript's 3' end. VCF-style (leftmost placement, unchanged base first): chr6-49444708-GCAGCAAGACAA-G. GRCh37 (hg19) VCF-style: chr6-49412421-GCAGCAAGACAA-G.
Other names: short protein forms C533fs.
Identifiers: ClinVar variation 4817997 (VCV004817997.1).

ClinVar aggregate classification (germline): Likely pathogenic (1 of 4 stars; one submission).

Conditions:
Methylmalonic aciduria due to complete methylmalonyl-CoA mutase deficiency.

Submission:

Natera, Inc.
Classification: Likely pathogenic for Methylmalonic aciduria due to complete methylmalonyl-CoA mutase deficiency. Last evaluated: 2024-02-22. Review status: criteria provided, single submitter. Criteria: Natera Variant Classification Schema (03/2026). Collection method: clinical testing. Allele origin: germline.
Comment: The c.1596_1606delTTGTCTTGCTG variant in MMUT is a frameshift variant predicted to shift the reading frame beginning at codon 533 and leads to a stop codon 7 codons downstream. This variant is expected to result in nonsense mediated decay, truncation, or a dysfunctional protein product. This variant is rare in the general population with a frequency below the threshold expected for the associated phenotype(s). Given the available evidence, this variant is classified as Likely Pathogenic.